The following is an entry in ClinVar:

NM_001048174.2(MUTYH):c.115+9C>A

Gene: MUTYH (mutY DNA glycosylase; minus strand). Cytogenetic location: 1p34.1.
Variant type: single nucleotide variant.
Coding change: c.115+9C>A on transcript NM_001048174.2 (MANE Select); 9 bases into the intron after coding-DNA position 115, C replaced by A.
Molecular consequence: intron variant.
Genome position (GRCh38, 1-based): chr1:45,334,382, G>T on the plus strand (C>A on the coding strand, the complement: MUTYH is on the minus strand). VCF-style: chr1-45334382-G-T. GRCh37 (hg19) VCF-style: chr1-45800054-G-T.
Other names: c.-93+9C>A (NM_001350651.2); c.-98+9C>A (NM_001293192.2, NM_001293196.2); c.-157+9C>A (NM_001350650.2); c.115+9C>A (NM_001048171.2, NM_001048173.2, NM_001048172.2 and 2 more transcripts); c.157+9C>A (NM_001293190.2, NM_012222.3, NM_001128425.2).
Identifiers: ClinVar variation 386326 (VCV000386326.8), dbSNP rs1057522475, ClinGen allele CA16603654.

ClinVar aggregate classification (germline): Likely benign. Review status: criteria provided, multiple submitters, no conflicts (2 of 4 stars). 2 submissions from 2 submitters: Likely benign (2). Last evaluated 2017-04-12.

Conditions:
Familial adenomatous polyposis 2. Also called: ADENOMAS, MULTIPLE COLORECTAL, AUTOSOMAL RECESSIVE; MYH-associated polyposis; Adenomas, multiple colorectal; MUTYH Polyposis; COLORECTAL ADENOMATOUS POLYPOSIS, AUTOSOMAL RECESSIVE; FAP type 2. Identifiers: Orphanet 220460, Orphanet 247798, MedGen C3272841, MONDO:0012041, OMIM 608456.

Submissions (2):

Labcorp Genetics (formerly Invitae), Labcorp
Classification: Likely benign for Familial adenomatous polyposis 2. Last evaluated: 2017-04-12. Review status: criteria provided, single submitter. Criteria: Invitae Variant Classification Sherloc (09022015). Collection method: clinical testing. Allele origin: germline.

GeneDx
Classification: Likely benign. Last evaluated: 2016-05-16. Review status: criteria provided, single submitter. Criteria: GeneDx Variant Classification (06012015). Collection method: clinical testing. Allele origin: germline. Affected: yes.
Comment: This variant is considered likely benign or benign based on one or more of the following criteria: it is a conservative change, it occurs at a poorly conserved position in the protein, it is predicted to be benign by multiple in silico algorithms, and/or has population frequency not consistent with disease.